The following is an entry in ClinVar:

ClinVar aggregate classification (germline): Pathogenic (1 of 4 stars; one submission).

Conditions:
Inborn genetic diseases. Identifiers: MedGen C0950123, MeSH D030342.

Submission:

Ambry Genetics
Classification: Pathogenic for Inborn genetic diseases. Last evaluated: 2026-01-20. Review status: criteria provided, single submitter. Criteria: Ambry Variant Classification Scheme 2023. Collection method: clinical testing. Allele origin: germline.
Comment: The c.7468dupT (p.S2490Ffs*10) alteration, located in exon 34 (coding exon 33) of the CHD7 gene, consists of a duplication of T at position 7468, causing a translational frameshift with a predicted alternate stop codon after 10 amino acids. This alteration is expected to result in loss of function by premature protein truncation or nonsense-mediated mRNA decay. This variant was not reported in population-based cohorts in the Genome Aggregation Database (gnomAD). Based on the available evidence, this alteration is classified as pathogenic.

NM_017780.4(CHD7):c.7468dup (p.Ser2490fs)

Gene: CHD7 (chromodomain helicase DNA binding protein 7; plus strand). Cytogenetic location: 8q12.2.
Variant type: Duplication.
Coding change: c.7468dup on transcript NM_017780.4 (MANE Select); coding-DNA position 7468, one base duplicated (T; older notation c.7468dupT).
Protein change: p.Ser2490fs; shifts the reading frame from serine 2490.
Molecular consequence: frameshift variant. On other transcripts: intron variant (1).
Genome position (GRCh38, 1-based): chr8:60,856,748, T duplicated; the last of 3 consecutive T bases (chr8:60,856,746-60,856,748); duplicating any one gives the same sequence. VCF-style (leftmost placement, unchanged base first): chr8-60856745-C-CT. GRCh37 (hg19) VCF-style: chr8-61769304-C-CT.
Other names: c.1717-5481dup (NM_001316690.1); short protein forms S2490fs.
Identifiers: ClinVar variation 4838890 (VCV004838890.1).
Genomic context (GRCh38, chr8:60,856,745, plus strand): 5'-AATGTCTCAACACCAGTGTCTGATGCCTTTAAGACTCAAATGGAACTGCTCCAAGCAGGC[C>CT]TTTCGCGCACACCCACAAGGCATCTCCTTAATGGCTCCCTAGTGGATGGAGAGCCTCCCA-3'